The following is an entry in ClinVar:

NM_025179.4(PLXNA2):c.1044C>T (p.His348=)

Gene: PLXNA2 (plexin A2; minus strand). Cytogenetic location: 1q32.2.
Variant type: single nucleotide variant.
Coding change: c.1044C>T on transcript NM_025179.4 (MANE Select); coding-DNA position 1044, C replaced by T.
Protein change: p.His348=; no amino-acid change (histidine 348 retained).
Molecular consequence: synonymous variant.
Genome position (GRCh38, 1-based): chr1:208,216,879, G>A on the plus strand (C>T on the coding strand, the complement: PLXNA2 is on the minus strand). VCF-style: chr1-208216879-G-A. GRCh37 (hg19) VCF-style: chr1-208390224-G-A.
Identifiers: ClinVar variation 3029052 (VCV003029052.2), dbSNP rs368112042, ClinGen allele CA1373986.
Genomic context (GRCh38, chr1:208,216,879, plus strand): 5'-CTTGATCTGCAAGTTGATGGCCCGGATAGGGAAGGCACACAGGGCAGAGTCATCGGGCGG[G>A]TGGTGATACTGCTTCTGCCCTTTGGAGAAGATGGCAAAGAGTACATCGTCCTGGCTGGTG-3'
Protein context (NP_079455.3, residues 338-358): IFSKGQKQYH[His348=]PPDDSALCAF

ClinVar aggregate classification (germline): Likely benign (0 of 4 stars; one submission).

Conditions:
PLXNA2-related disorder. Also called: PLXNA2-related condition.

Allele frequency attached by ClinVar (database versions not stated): gnomAD exomes 0.00001; ExAC 0.00004; gnomAD 0.00007; ESP Exome Variant Server 0.00008; TOPMed 0.00009.
gnomAD v4.1: 20 of 1,614,124 alleles (0.0012%); highest among the groups gnomAD compares: African/African-American, 0.023%; no homozygotes.

Submission:

PreventionGenetics, part of Exact Sciences
Classification: Likely benign for PLXNA2-related condition. Last evaluated: 2021-12-15. Review status: no assertion criteria provided. Collection method: clinical testing. Allele origin: germline.
Comment: This variant is classified as likely benign based on ACMG/AMP sequence variant interpretation guidelines (Richards et al. 2015 PMID: 25741868, with internal and published modifications).